The following is an entry in ClinVar:

ClinVar aggregate classification (germline): Pathogenic (1 of 4 stars; one submission).

Submission:

Labcorp Genetics (formerly Invitae), Labcorp
Classification: Pathogenic. Last evaluated: 2021-09-10. Review status: criteria provided, single submitter. Criteria: Invitae Variant Classification Sherloc (09022015). Collection method: clinical testing. Allele origin: germline.
Comment: This sequence change creates a premature translational stop signal (p.Pro1973Argfs*38) in the CDH23 gene. It is expected to result in an absent or disrupted protein product. Loss-of-function variants in CDH23 are known to be pathogenic (PMID: 11138009, 21940737). This variant is not present in population databases (ExAC no frequency). This variant has not been reported in the literature in individuals affected with CDH23-related conditions. For these reasons, this variant has been classified as Pathogenic.

Literature cited by the submitters: PubMed 11138009; PubMed 21940737.

NM_022124.6(CDH23):c.5916_5917del (p.Pro1973fs)

Gene: CDH23 (cadherin related 23; plus strand). Cytogenetic location: 10q22.1.
Variant type: Microsatellite.
Coding change: c.5916_5917del on transcript NM_022124.6 (MANE Select); coding-DNA positions 5916 to 5917, 2 bases deleted (TC; older notation c.5916_5917delTC).
Protein change: p.Pro1973fs; shifts the reading frame from proline 1973.
Molecular consequence: frameshift variant.
Genome position (GRCh38, 1-based): chr10:71,789,035-71,789,036, TC deleted; deleting any 2 consecutive bases within chr10:71,789,032-71,789,036 gives the same sequence; the c. name uses the placement nearest the transcript's 3' end. VCF-style (leftmost placement, unchanged base first): chr10-71789031-ACT-A. GRCh37 (hg19) VCF-style: chr10-73548788-ACT-A.
Other names: short protein forms P1973fs.
Identifiers: ClinVar variation 1393638 (VCV001393638.6), dbSNP rs2132945765, ClinGen allele CA2580615504.